The following is an entry in ClinVar:

NM_020134.4(DPYSL5):c.1677G>A (p.Arg559=)

Gene: DPYSL5 (dihydropyrimidinase like 5; plus strand). Cytogenetic location: 2p23.3.
Variant type: single nucleotide variant.
Coding change: c.1677G>A on transcript NM_020134.4 (MANE Select); coding-DNA position 1677, G replaced by A.
Protein change: p.Arg559=; no amino-acid change (arginine 559 retained).
Molecular consequence: synonymous variant.
Genome position (GRCh38, 1-based): chr2:26,946,977, G>A. VCF-style: chr2-26946977-G-A. GRCh37 (hg19) VCF-style: chr2-27169845-G-A.
Other names: c.1677G>A, p.Arg559= (NM_001253723.2, NM_001253724.2).
Identifiers: ClinVar variation 5039235 (VCV005039235.1).

ClinVar aggregate classification (germline): Likely benign (1 of 4 stars; one submission).

gnomAD v4.1: 527 of 1,613,608 alleles (0.033%); highest among the groups gnomAD compares: African/African-American, 0.62%; 3 homozygotes.

Submission:

CeGaT Center for Human Genetics Tuebingen
Classification: Likely benign. Last evaluated: 2026-08-01. Review status: criteria provided, single submitter. Criteria: CeGaT Center For Human Genetics Tuebingen Variant Classification Criteria Version 2. Collection method: clinical testing. Allele origin: germline. Affected: yes. Observed: 1 variant allele.
Comment: DPYSL5: BP4, BP7